The following is an entry in ClinVar:

ClinVar aggregate classification (germline): Uncertain significance (1 of 4 stars; one submission).

Conditions:
Charcot-Marie-Tooth disease axonal type 2P. Also called: Charcot-Marie-Tooth Neuropathy Type 2G; CHARCOT-MARIE-TOOTH DISEASE, AXONAL, TYPE 2G; CMT 2G; CHARCOT-MARIE-TOOTH NEUROPATHY, TYPE 2P. Identifiers: Orphanet 300319, Orphanet 99941, MedGen C3280797, MONDO:0013753, OMIM 614436.

Submission:

Labcorp Genetics (formerly Invitae), Labcorp
Classification: Uncertain significance for Charcot-Marie-Tooth disease axonal type 2P. Last evaluated: 2024-12-27. Review status: criteria provided, single submitter. Criteria: Invitae Variant Classification Sherloc (09022015). Collection method: clinical testing. Allele origin: germline.
Comment: This sequence change replaces asparagine, which is neutral and polar, with aspartic acid, which is acidic and polar, at codon 318 of the LRSAM1 protein (p.Asn318Asp). Information on the frequency of this variant in the gnomAD database is not available, as this variant may be reported differently in the database. This variant has not been reported in the literature in individuals affected with LRSAM1-related conditions. ClinVar contains an entry for this variant (Variation ID: 1041107). Experimental studies and prediction algorithms are not available or were not evaluated, and the functional significance of this variant is currently unknown. In summary, the available evidence is currently insufficient to determine the role of this variant in disease. Therefore, it has been classified as a Variant of Uncertain Significance.

NM_001005373.4(LRSAM1):c.951_952inv (p.Asn318Asp)

Gene: LRSAM1 (leucine rich repeat and sterile alpha motif containing 1; plus strand). Cytogenetic location: 9q33.3.
Variant type: Inversion.
Coding change: c.951_952inv on transcript NM_001005373.4 (MANE Select).
Protein change: p.Asn318Asp; replaces asparagine 318 with aspartic acid.
Molecular consequence: missense variant. On other transcripts: non-coding transcript variant (2).
Genome position: GRCh38 VCF-style: chr9-127479886-CA-TG. GRCh37 (hg19) VCF-style: chr9-130242165-CA-TG.
Other names: c.951_952inv, p.Asn318Asp (NM_001005374.4, NM_001190723.3, NM_001384142.1 and 2 more transcripts); c.162_163inv, p.Asn55Asp (NM_001384144.1); short protein forms N318D, N55D.
Identifiers: ClinVar variation 1041107 (VCV001041107.7), ClinGen allele CA2499219615.